The following is an entry in ClinVar:

ClinVar aggregate classification (germline): Uncertain significance (1 of 4 stars; one submission).

Conditions:
Hypertrophic cardiomyopathy. Also called: HYPERTROPHIC MYOCARDIOPATHY. Identifiers: Orphanet 217569, MedGen C0007194, MeSH D002312, MONDO:0005045, HP:0001639.

Submission:

Labcorp Genetics (formerly Invitae), Labcorp
Classification: Uncertain significance for Hypertrophic cardiomyopathy. Last evaluated: 2025-07-20. Review status: criteria provided, single submitter. Criteria: Invitae Variant Classification Sherloc (09022015). Collection method: clinical testing. Allele origin: germline.
Comment: This sequence change creates a premature translational stop signal (p.His1003Profs*18) in the MYH7 gene. It is expected to result in an absent or disrupted protein product. However, the current clinical and genetic evidence is not sufficient to establish whether loss-of-function variants in MYH7 cause disease. This variant is not present in population databases (gnomAD no frequency). This variant has not been reported in the literature in individuals affected with MYH7-related conditions. In summary, the available evidence is currently insufficient to determine the role of this variant in disease. Therefore, it has been classified as a Variant of Uncertain Significance.

NM_000257.4(MYH7):c.3008del (p.His1003fs)

Gene: MYH7 (myosin heavy chain 7; minus strand). Cytogenetic location: 14q11.2.
Variant type: Deletion.
Coding change: c.3008del on transcript NM_000257.4 (MANE Select); coding-DNA position 3008, one base deleted (A; older notation c.3008delA).
Protein change: p.His1003fs; shifts the reading frame from histidine 1003.
Molecular consequence: frameshift variant.
Genome position (GRCh38, 1-based): chr14:23,423,638, T deleted on the plus strand (A on the coding strand, the reverse complement: MYH7 is on the minus strand). VCF-style (leftmost placement, unchanged base first): chr14-23423637-GT-G. GRCh37 (hg19) VCF-style: chr14-23892846-GT-G.
Other names: c.3008del, p.His1003fs (NM_001407004.1); short protein forms H1003fs.
Identifiers: ClinVar variation 4779581 (VCV004779581.1).